The following is an entry in ClinVar:

ClinVar aggregate classification (germline): Uncertain significance (1 of 4 stars; one submission).

Conditions:
Hypertrophic cardiomyopathy 1 (CMH1). Also called: Familial hypertrophic cardiomyopathy 1; MYH7-Related Familial Hypertrophic Cardiomyopathy. Identifiers: MedGen C3495498, MONDO:0008647, OMIM 192600.

Allele frequency attached by ClinVar (database versions not stated): gnomAD exomes below 0.00001.

Submission:

Labcorp Genetics (formerly Invitae), Labcorp
Classification: Uncertain significance for Hypertrophic cardiomyopathy 1. Last evaluated: 2023-05-15. Review status: criteria provided, single submitter. Criteria: Invitae Variant Classification Sherloc (09022015). Collection method: clinical testing. Allele origin: germline.
Comment: In summary, the available evidence is currently insufficient to determine the role of this variant in disease. Therefore, it has been classified as a Variant of Uncertain Significance. An algorithm developed to predict the effect of missense changes on protein structure and function (PolyPhen-2) suggests that this variant is likely to be tolerated. ClinVar contains an entry for this variant (Variation ID: 1376893). This variant has not been reported in the literature in individuals affected with MYLK2-related conditions. The frequency data for this variant in the population databases is considered unreliable, as metrics indicate poor data quality at this position in the gnomAD database. This sequence change replaces lysine, which is basic and polar, with arginine, which is basic and polar, at codon 566 of the MYLK2 protein (p.Lys566Arg).

NM_033118.4(MYLK2):c.1697A>G (p.Lys566Arg)

Gene: MYLK2 (myosin light chain kinase 2; plus strand). Cytogenetic location: 20q11.21.
Variant type: single nucleotide variant.
Coding change: c.1697A>G on transcript NM_033118.4 (MANE Select); coding-DNA position 1697, A replaced by G.
Protein change: p.Lys566Arg; replaces lysine 566 with arginine.
Molecular consequence: missense variant.
Genome position (GRCh38, 1-based): chr20:31,832,123, A>G. VCF-style: chr20-31832123-A-G. GRCh37 (hg19) VCF-style: chr20-30419926-A-G.
Other names: short protein forms K566R.
Identifiers: ClinVar variation 1376893 (VCV001376893.8), dbSNP rs1342901282, ClinGen allele CA408528468.